The following is an entry in ClinVar:

ClinVar aggregate classification (germline): Uncertain significance (1 of 4 stars; one submission).

gnomAD v4.1: 1 of 1,614,176 alleles (0.000062%); no homozygotes.

Submission:

Labcorp Genetics (formerly Invitae), Labcorp
Classification: Uncertain significance. Last evaluated: 2024-09-02. Review status: criteria provided, single submitter. Criteria: Invitae Variant Classification Sherloc (09022015). Collection method: clinical testing. Allele origin: germline.
Comment: This sequence change replaces glutamine, which is neutral and polar, with arginine, which is basic and polar, at codon 797 of the IL6ST protein (p.Gln797Arg). This variant is not present in population databases (gnomAD no frequency). This variant has not been reported in the literature in individuals affected with IL6ST-related conditions. An algorithm developed to predict the effect of missense changes on protein structure and function (PolyPhen-2) suggests that this variant is likely to be disruptive. In summary, the available evidence is currently insufficient to determine the role of this variant in disease. Therefore, it has been classified as a Variant of Uncertain Significance.

NM_002184.4(IL6ST):c.2390A>G (p.Gln797Arg)

Gene: IL6ST (interleukin 6 cytokine family signal transducer; minus strand). Cytogenetic location: 5q11.2.
Variant type: single nucleotide variant.
Coding change: c.2390A>G on transcript NM_002184.4 (MANE Select); coding-DNA position 2390, A replaced by G.
Protein change: p.Gln797Arg; replaces glutamine 797 with arginine.
Molecular consequence: missense variant. On other transcripts: non-coding transcript variant (2), 3 prime UTR variant (1).
Genome position (GRCh38, 1-based): chr5:55,941,449, T>C on the plus strand (A>G on the coding strand, the complement: IL6ST is on the minus strand). VCF-style: chr5-55941449-T-C. GRCh37 (hg19) VCF-style: chr5-55237277-T-C.
Other names: c.2207A>G, p.Gln736Arg (NM_001190981.2); c.2288A>G, p.Gln763Arg (NM_001364275.2); c.2180A>G, p.Gln727Arg (NM_001364276.2); c.1523A>G, p.Gln508Arg (NM_001364277.2); c.1487A>G, p.Gln496Arg (NM_001364278.2); c.1394A>G, p.Gln465Arg (NM_001364279.2); c.*1317A>G (NM_175767.3); short protein forms Q508R, Q727R, Q763R, Q496R, Q797R, Q465R, Q736R.
Identifiers: ClinVar variation 3684472 (VCV003684472.2).